The following is an entry in ClinVar:

ClinVar aggregate classification (germline): Uncertain significance (1 of 4 stars; one submission).

Submission:

GeneDx
Classification: Uncertain significance. Last evaluated: 2025-05-23. Review status: criteria provided, single submitter. Criteria: GeneDx Variant Classification Process June 2021. Collection method: clinical testing. Allele origin: germline. Affected: yes.
Comment: In-frame deletion of 1 amino acid(s) in a non-repeat region; Not observed at significant frequency in large population cohorts (gnomAD); In silico analysis supports a deleterious effect on protein structure/function; Has not been previously published as pathogenic or benign to our knowledge

NM_172362.3(KCNH1):c.1353CTC[1] (p.Ser453del)

Gene: KCNH1 (potassium voltage-gated channel subfamily H member 1; minus strand). Cytogenetic location: 1q32.2.
Variant type: Microsatellite.
Coding change: c.1353CTC[1] on transcript NM_172362.3 (MANE Select); one copy of the 3-base unit CTC starting at c.1353; the reference has two copies in a row; one copy, 3 bases deleted.
Protein change: p.Ser453del; deletes serine 453.
Genome position (GRCh38, 1-based): chr1:210,919,744-210,919,746, GAG deleted on the plus strand (CTC on the coding strand, the reverse complement: KCNH1 is on the minus strand); deleting any 3 consecutive bases within chr1:210,919,744-210,919,749 gives the same sequence; the position shown is the placement nearest the transcript's 3' end. VCF-style (leftmost placement, unchanged base first): chr1-210919743-CGAG-C. GRCh37 (hg19) VCF-style: chr1-211093085-CGAG-C.
Other names: c.1272CTC[1], p.Ser426del (NM_002238.4); short protein forms S426del, S453del.
Identifiers: ClinVar variation 4530763 (VCV004530763.1).
Genomic context (GRCh38, chr1:210,919,743, plus strand): 5'-TGTGGATGGGGCGATGTTCCCAAAGCCCACACTGGTGAGGCTGGTCATTGTGAAATACAA[CGAG>C]GAGATGTAGACAGAATTCTTGCTGGGACCACCTTCCCACTTCCCTGAGCCAGACCCATTA-3'